The following is an entry in ClinVar:

ClinVar aggregate classification (germline): Benign. Review status: criteria provided, multiple submitters, no conflicts (2 of 4 stars). 11 submissions from 10 submitters: Benign (9). 2 of the submissions do not count toward it. Last evaluated 2026-02-04.

Conditions:
Sinoatrial node dysfunction and deafness (SANDD). Identifiers: Orphanet 324321, MedGen C3554018, MONDO:0013960, OMIM 614896.
Aldosterone-producing adenoma with seizures and neurological abnormalities. Also called: Primary aldosteronism, seizures, and neurologic abnormalities. Identifiers: Orphanet 369929, MedGen C3809609, MONDO:0014200, OMIM 615474.

Allele frequency attached by ClinVar (database versions not stated): gnomAD exomes 0.55199 and 0.58829; ExAC 0.59450; gnomAD 0.64413 and 0.64657; ESP Exome Variant Server 0.64747; TOPMed 0.65103; 1000 Genomes Project 0.70647; 1000 Genomes Project 30x 0.70690.
gnomAD v4.1: 904,895 of 1,612,480 alleles (56%); highest among the groups gnomAD compares: African/African-American, 88%; 260,082 homozygotes.

Submissions (11):

Labcorp Genetics (formerly Invitae), Labcorp
Classification: Benign. Last evaluated: 2026-02-04. Review status: criteria provided, single submitter. Criteria: Invitae Variant Classification Sherloc (09022015). Collection method: clinical testing. Allele origin: germline.

Blueprint Genetics
Classification: Benign. Last evaluated: 2024-11-26. Review status: criteria provided, single submitter. Criteria: ACMG Guidelines, 2015. Collection method: clinical testing. Allele origin: germline.

KCCC/NGS Laboratory, Kuwait Cancer Control Center
Classification: Benign for Aldosterone-producing adenoma with seizures and neurological abnormalities. Last evaluated: 2023-07-07. Review status: criteria provided, single submitter. Criteria: ACMG Guidelines, 2015. Collection method: clinical testing. Allele origin: germline. Affected: yes.

Mayo Clinic Laboratories, Mayo Clinic
Classification: Benign. Last evaluated: 2022-04-26. Review status: criteria provided, single submitter. Criteria: ACMG Guidelines, 2015. Collection method: clinical testing. Allele origin: germline. Observed: 590 variant alleles.

Genome-Nilou Lab
Classification: Benign for Aldosterone-producing adenoma with seizures and neurological abnormalities. Last evaluated: 2021-07-14. Review status: criteria provided, single submitter. Criteria: ACMG Guidelines, 2015. Collection method: clinical testing. Allele origin: germline. Affected: no.

Genome-Nilou Lab
Classification: Benign for Sinoatrial node dysfunction and deafness. Last evaluated: 2021-07-14. Review status: criteria provided, single submitter. Criteria: ACMG Guidelines, 2015. Collection method: clinical testing. Allele origin: germline. Affected: no.

GeneDx
Classification: Benign. Last evaluated: 2017-05-09. Review status: criteria provided, single submitter. Criteria: GeneDx Variant Classification (06012015). Collection method: clinical testing. Allele origin: germline. Affected: yes.
Comment: This variant is considered likely benign or benign based on one or more of the following criteria: it is a conservative change, it occurs at a poorly conserved position in the protein, it is predicted to be benign by multiple in silico algorithms, and/or has population frequency not consistent with disease.

Laboratory for Molecular Medicine, Mass General Brigham Personalized Medicine
Classification: Benign. Last evaluated: 2014-11-24. Review status: criteria provided, single submitter. Criteria: LMM Criteria. Collection method: clinical testing. Allele origin: germline. Observed: 813 variant alleles.
Comment: Asp368Asp in exon 7 of CACNA1D: This variant is not expected to have clinical si gnificance because it does not alter an amino acid residue and is not located wi thin the splice consensus sequence. It has been identified in 46.7% (4012/8600) of European American chromosomes from a broad population by the NHLBI Exome Sequ encing Project (dbSNP rs2250736).

Breakthrough Genomics
Classification: Benign. Review status: criteria provided, single submitter. Criteria: ACMG Guidelines, 2015. Collection method: not provided. Allele origin: germline. Inheritance: Autosomal recessive inheritance. Affected: yes.

Clinical Genetics, Academic Medical Center
Classification: Benign. Review status: no assertion criteria provided. Collection method: clinical testing. Allele origin: germline. Affected: yes. Study: VKGL Data-share Consensus. Not counted in ClinVar's aggregate classification.

Diagnostic Laboratory, Department of Genetics, University Medical Center Groningen
Classification: Benign for Sinoatrial node dysfunction and deafness. Review status: no assertion criteria provided. Collection method: clinical testing. Allele origin: germline. Affected: yes. Study: VKGL Data-share Consensus. Not counted in ClinVar's aggregate classification.

NM_001128840.3(CACNA1D):c.1104T>C (p.Asp368=)

Gene: CACNA1D (calcium voltage-gated channel subunit alpha1 D; plus strand). Cytogenetic location: 3p21.1.
Variant type: single nucleotide variant.
Coding change: c.1104T>C on transcript NM_001128840.3 (MANE Select); coding-DNA position 1104, T replaced by C.
Protein change: p.Asp368=; no amino-acid change (aspartic acid 368 retained).
Molecular consequence: synonymous variant.
Genome position (GRCh38, 1-based): chr3:53,666,523, T>C. VCF-style: chr3-53666523-T-C. GRCh37 (hg19) VCF-style: chr3-53700550-T-C.
Other names: p.Asp368=; c.1104T>C, p.Asp368= (NM_000720.4, NM_001128839.3).
Identifiers: ClinVar variation 226467 (VCV000226467.20), dbSNP rs2250736, ClinGen allele CA2453819.